The following is an entry in ClinVar:

ClinVar aggregate classification (germline): Likely pathogenic (1 of 4 stars; one submission).

Conditions:
Neurofibromatosis, type 1 (NF1). Also called: Peripheral type neurofibromatosis; Neurofibromatosis, type I; VON RECKLINGHAUSEN DISEASE; NEUROFIBROMATOSIS, TYPE I, SOMATIC. Identifiers: Orphanet 636, MedGen C0027831, MONDO:0018975, OMIM 162200. Disease mechanism: loss of function.

Submission:

3billion
Classification: Likely pathogenic for Neurofibromatosis, type 1. Last evaluated: 2023-02-23. Review status: criteria provided, single submitter. Criteria: ACMG Guidelines, 2015. Collection method: clinical testing. Allele origin: unknown. Affected: yes.
Comment: The variant is not observed in the gnomAD v2.1.1 dataset. This variant was predicted to result in a loss or disruption of normal protein function through nonsense-mediated decay (NMD) or protein truncation. Multiple pathogenic variants are reported downstream of the variant. Therefore, this variant is classified as Likely pathogenic according to the recommendation of ACMG/AMP guideline.

NM_001042492.3(NF1):c.4225dup (p.Met1409fs)

Gene: NF1 (neurofibromin 1; plus strand). Cytogenetic location: 17q11.2.
Variant type: Duplication.
Coding change: c.4225dup on transcript NM_001042492.3 (MANE Select); coding-DNA position 4225, one base duplicated (A; older notation c.4225dupA).
Protein change: p.Met1409fs; shifts the reading frame from methionine 1409.
Molecular consequence: frameshift variant.
Genome position (GRCh38, 1-based): chr17:31,258,395, A duplicated. VCF-style (leftmost placement, unchanged base first): chr17-31258394-C-CA. GRCh37 (hg19) VCF-style: chr17-29585412-C-CA.
Other names: c.4162dup, p.Met1388Asnfs (NM_000267.4); short protein forms M1388fs, M1409fs.
Identifiers: ClinVar variation 2444274 (VCV002444274.1), dbSNP rs2535705221, ClinGen allele CA2580092869.